The following is an entry in ClinVar:

ClinVar aggregate classification (germline): Uncertain significance (1 of 4 stars; one submission).

Conditions:
Early-onset Lafora body disease. Also called: Epilepsy, progressive myoclonic, 10. Identifiers: Orphanet 324290, MedGen C4225258, MONDO:0014717, OMIM 616640.

gnomAD v4.1: 1 of 1,607,688 alleles (0.000062%); no homozygotes.

Submission:

Labcorp Genetics (formerly Invitae), Labcorp
Classification: Uncertain significance for Early-onset Lafora body disease. Last evaluated: 2017-02-10. Review status: criteria provided, single submitter. Criteria: Invitae Variant Classification Sherloc (09022015). Collection method: clinical testing. Allele origin: germline.
Comment: In summary, this variant is a novel missense change with uncertain impact on protein function. It has been classified as a Variant of Uncertain Significance. Algorithms developed to predict the effect of missense changes on protein structure and function do not agree on the potential impact of this missense change (SIFT: "Tolerated"; PolyPhen-2: "Probably Damaging"; Align-GVGD: "Class C0"). This variant is not present in population databases (ExAC no frequency) and has not been reported in the literature in individuals with a PRDM8-related disease. This sequence change replaces lysine with asparagine at codon 229 of the PRDM8 protein (p.Lys229Asn). The lysine residue is moderately conserved and there is a moderate physicochemical difference between lysine and asparagine.

NM_001099403.2(PRDM8):c.687A>C (p.Lys229Asn)

Gene: PRDM8 (PR/SET domain 8; plus strand). Cytogenetic location: 4q21.21.
Variant type: single nucleotide variant.
Coding change: c.687A>C on transcript NM_001099403.2 (MANE Select); coding-DNA position 687, A replaced by C.
Protein change: p.Lys229Asn; replaces lysine 229 with asparagine.
Molecular consequence: missense variant.
Genome position (GRCh38, 1-based): chr4:80,202,149, A>C. VCF-style: chr4-80202149-A-C. GRCh37 (hg19) VCF-style: chr4-81123303-A-C.
Other names: c.687A>C, p.Lys229Asn (NM_020226.4); short protein forms K229N.
Identifiers: ClinVar variation 475683 (VCV000475683.8), dbSNP rs1553905669, ClinGen allele CA357394877.